The following is an entry in ClinVar:

NM_173728.4(ARHGEF15):c.797A>C (p.Tyr266Ser)

Gene: ARHGEF15 (Rho guanine nucleotide exchange factor 15; plus strand). Cytogenetic location: 17p13.1.
Variant type: single nucleotide variant.
Coding change: c.797A>C on transcript NM_173728.4 (MANE Select); coding-DNA position 797, A replaced by C.
Protein change: p.Tyr266Ser; replaces tyrosine 266 with serine.
Molecular consequence: missense variant.
Genome position (GRCh38, 1-based): chr17:8,313,117, A>C. VCF-style: chr17-8313117-A-C. GRCh37 (hg19) VCF-style: chr17-8216435-A-C.
Other names: c.797A>C, p.Tyr266Ser (NM_025014.2); short protein forms Y266S.
Identifiers: ClinVar variation 1010112 (VCV001010112.7), dbSNP rs1399970108, ClinGen allele CA398016248.

ClinVar aggregate classification (germline): Uncertain significance (1 of 4 stars; one submission).

Conditions:
Early-infantile DEE. Also called: Early infantile epileptic encephalopathy; Early infantile epileptic encephalopathy with suppression bursts; Ohtahara syndrome. Identifiers: Orphanet 1934, MedGen C0393706, MONDO:0800491.

Allele frequency attached by ClinVar (database versions not stated): gnomAD exomes below 0.00001.

Submission:

Labcorp Genetics (formerly Invitae), Labcorp
Classification: Uncertain significance for Early-infantile DEE. Last evaluated: 2021-12-22. Review status: criteria provided, single submitter. Criteria: Invitae Variant Classification Sherloc (09022015). Collection method: clinical testing. Allele origin: germline.
Comment: This sequence change replaces tyrosine, which is neutral and polar, with serine, which is neutral and polar, at codon 266 of the ARHGEF15 protein (p.Tyr266Ser). This variant is present in population databases (no rsID available, gnomAD 0.003%). This variant has not been reported in the literature in individuals affected with ARHGEF15-related conditions. ClinVar contains an entry for this variant (Variation ID: 1010112). Algorithms developed to predict the effect of missense changes on protein structure and function (SIFT, PolyPhen-2, Align-GVGD) all suggest that this variant is likely to be disruptive. In summary, the available evidence is currently insufficient to determine the role of this variant in disease. Therefore, it has been classified as a Variant of Uncertain Significance.